The following is an entry in ClinVar:

ClinVar aggregate classification (germline): Benign. Review status: criteria provided, single submitter (1 of 4 stars). 2 submissions from 2 submitters: Benign (1). 1 of the submissions does not count toward it. Last evaluated 2016-04-25.

Conditions:
Intellectual disability. Also called: Intellectual functioning disability; intellectual disabilities; Intellectual developmental disorder. Identifiers: MedGen C3714756, MeSH D008607, MONDO:0001071, HP:0001249.

Allele frequency attached by ClinVar (database versions not stated): ExAC 0.49007.

Submissions (2):

Laboratory for Molecular Medicine, Mass General Brigham Personalized Medicine
Classification: Benign. Last evaluated: 2016-04-25. Review status: criteria provided, single submitter. Criteria: LMM Criteria. Collection method: clinical testing. Allele origin: germline.
Comment: Variant identified in a genome or exome case(s) and assessed due to predicted null impact of the variant or pathogenic assertions in the literature or databases. Disclaimer: This variant has not undergone full assessment. The following are preliminary notes: frequency

Centre de Biologie Pathologie Génétique, Centre Hospitalier Universitaire de Lille
Classification: Likely benign for Intellectual disability. Last evaluated: 2019-01-01. Review status: no assertion criteria provided. Collection method: clinical testing. Allele origin: inherited. Affected: yes. Not counted in ClinVar's aggregate classification.

NM_170606.3(KMT2C):c.2447dup (p.Tyr816Ter)

Gene: KMT2C (lysine methyltransferase 2C; minus strand). Cytogenetic location: 7q36.1.
Variant type: Duplication.
Coding change: c.2447dup on transcript NM_170606.3 (MANE Select); coding-DNA position 2447, one base duplicated (A; older notation c.2447dupA).
Protein change: p.Tyr816Ter; replaces tyrosine 816 with a stop codon.
Molecular consequence: nonsense.
Genome position (GRCh38, 1-based): chr7:152,247,987, T duplicated on the plus strand (A on the coding strand, the reverse complement: KMT2C is on the minus strand). VCF-style (leftmost placement, unchanged base first): chr7-152247986-G-GT. GRCh37 (hg19) VCF-style: chr7-151945071-G-GT.
Other names: p.Tyr816X; c.2447dup (NM_170606.2); short protein forms Y816*.
Identifiers: ClinVar variation 403020 (VCV000403020.21), dbSNP rs150073007, ClinGen allele CA4581220.